The following is an entry in ClinVar:

ClinVar aggregate classification (germline): Conflicting classifications of pathogenicity. Review status: criteria provided, conflicting classifications (1 of 4 stars). 18 submissions from 18 submitters: Uncertain significance (10); Likely benign (3). 5 of the submissions do not count toward it. Last evaluated 2026-10-01.

Conditions:
Intrauterine growth retardation, metaphyseal dysplasia, adrenal hypoplasia congenita, genital anomalies, and immunodeficiency. Also called: IMAGEI SYNDROME. Identifiers: MedGen C5193036, MONDO:0032684, OMIM 618336.
Facial dysmorphism-immunodeficiency-livedo-short stature syndrome. Also called: FILS syndrome; Facial dysmorphism, immunodeficiency, livedo, and short stature. Identifiers: Orphanet 352712, MedGen C3554576, MONDO:0014058, OMIM 615139.
Colorectal cancer, susceptibility to, 12 (CRCS12). Also called: COLORECTAL CANCER, SUSCEPTIBILITY TO, ON CHROMOSOME 12q24. Identifiers: Orphanet 220460, MedGen C3554460, MONDO:0014038, OMIM 615083.
Neuroepithelial neoplasm. Identifiers: MedGen C0206715, MONDO:0021193, HP:0030063.
POLE-related disorder. Also called: POLE-related condition; POLE-related disorders.
Hereditary cancer-predisposing syndrome. Also called: Hereditary neoplastic syndrome; Hereditary Cancer Syndrome; Neoplastic Syndromes, Hereditary; Tumor predisposition. Identifiers: Orphanet 140162, MedGen C0027672, MeSH D009386, MONDO:0015356.

Allele frequency attached by ClinVar (database versions not stated): gnomAD exomes 0.00012; ExAC 0.00015; gnomAD 0.00015 and 0.00016; 1000 Genomes Project 30x 0.00016; 1000 Genomes Project 0.00020; TOPMed 0.00020; ESP Exome Variant Server 0.00023.
gnomAD v4.1: 208 of 1,614,102 alleles (0.013%); highest among the groups gnomAD compares: African/African-American, 0.016%; no homozygotes.

Submissions (18):

St. Jude Molecular Pathology, St. Jude Children's Research Hospital
Classification: Uncertain significance for Colorectal cancer, susceptibility to, 12. Last evaluated: 2026-10-01. Review status: criteria provided, single submitter. Criteria: St. Jude Assertion Criteria 2020. Collection method: clinical testing. Allele origin: germline.
Comment: The POLE c.3245G>A p.(Arg1082His) missense change has a maximum subpopulation frequency of 0.02% in gnomAD v2.1.1. The in silico tool REVEL predicts a benign effect on protein function, but to our knowledge this prediction has not been confirmed by fu nctional studies. To our knowledge, this variant has not been reported in the literature in individuals with POLE-related disease. In summary, the evidence currently available is insufficient to determine the clinical significance of this variant. It has therefore been classified as of uncertain significance.

Labcorp Genetics (formerly Invitae), Labcorp
Classification: Uncertain significance. Last evaluated: 2026-02-04. Review status: criteria provided, single submitter. Criteria: Invitae Variant Classification Sherloc (09022015). Collection method: clinical testing. Allele origin: germline.
Comment: This sequence change replaces arginine, which is basic and polar, with histidine, which is basic and polar, at codon 1082 of the POLE protein (p.Arg1082His). This variant is present in population databases (rs201744227, gnomAD 0.03%). This missense change has been observed in individual(s) with colorectal cancer (PMID: 29987844, 37990341). ClinVar contains an entry for this variant (Variation ID: 240461). Invitae Evidence Modeling of protein sequence and biophysical properties (such as structural, functional, and spatial information, amino acid conservation, physicochemical variation, residue mobility, and thermodynamic stability) indicates that this missense variant is not expected to disrupt POLE protein function with a negative predictive value of 80%. In summary, the available evidence is currently insufficient to determine the role of this variant in disease. Therefore, it has been classified as a Variant of Uncertain Significance.

Center for Genomic Medicine, Rigshospitalet, Copenhagen University Hospital
Classification: Uncertain significance. Last evaluated: 2025-03-04. Review status: criteria provided, single submitter. Criteria: ACMG Guidelines, 2015. Collection method: clinical testing. Allele origin: germline.

GeneDx
Classification: Uncertain significance. Last evaluated: 2024-10-21. Review status: criteria provided, single submitter. Criteria: GeneDx Variant Classification Process June 2021. Collection method: clinical testing. Allele origin: germline. Affected: yes.
Comment: In silico analysis supports that this missense variant has a deleterious effect on protein structure/function; Observed in individuals with ovarian, breast, colon or other cancer (PMID: 28873162, 29987844, 34326862, 36315513, 37990341); This variant is associated with the following publications: (PMID: 29056344, 29987844, 28873162, 34326862, 36315513, 37990341)

Ambry Genetics
Classification: Likely benign for Hereditary cancer-predisposing syndrome. Last evaluated: 2024-08-23. Review status: criteria provided, single submitter. Criteria: Ambry Variant Classification Scheme 2023. Collection method: clinical testing. Allele origin: germline.

Blueprint Genetics
Classification: Likely benign. Last evaluated: 2024-08-16. Review status: criteria provided, single submitter. Criteria: ACMG Guidelines, 2015. Collection method: clinical testing. Allele origin: germline.

Mendelics
Classification: Likely benign for Hereditary cancer-predisposing syndrome. Last evaluated: 2024-04-09. Review status: criteria provided, single submitter. Criteria: ACMG Guidelines, 2015. Collection method: clinical testing. Allele origin: unknown.

PreventionGenetics, part of Exact Sciences
Classification: Uncertain significance for POLE-related condition. Last evaluated: 2023-09-20. Review status: criteria provided, single submitter. Criteria: ACMG Guidelines, 2015. Collection method: clinical testing. Allele origin: germline.
Comment: The POLE c.3245G>A variant is predicted to result in the amino acid substitution p.Arg1082His. This variant has been reported as a variant of uncertain significance in individuals with various cancers (Kayser et al. 2018. PubMed ID: 29987844; Bhai et al. 2021. PubMed ID: 34326862; McDonald et al. 2022. PubMed ID: 36315513). This variant is reported in 0.024% of alleles in individuals of European (Non-Finnish) descent in gnomAD, and multiple labs classify it as a variant of uncertain significance in ClinVar. At this time, the clinical significance of this variant is uncertain due to the absence of conclusive functional and genetic evidence.

Fulgent Genetics
Classification: Uncertain significance for Colorectal cancer, susceptibility to, 12; Facial dysmorphism-immunodeficiency-livedo-short stature syndrome; Intrauterine growth retardation, metaphyseal dysplasia, adrenal hypoplasia congenita, genital anomalies, and immunodeficiency. Last evaluated: 2021-11-24. Review status: criteria provided, single submitter. Criteria: ACMG Guidelines, 2015. Collection method: clinical testing. Allele origin: unknown.

Baylor Genetics
Classification: Uncertain significance for Colorectal cancer, susceptibility to, 12. Last evaluated: 2020-11-23. Review status: criteria provided, single submitter. Criteria: ACMG Guidelines, 2015. Collection method: clinical testing. Allele origin: unknown. Affected: yes. Study: CSER-TexasKidsCanSeq.
Comment: This variant was determined to be of uncertain significance according to ACMG Guidelines, 2015 [PMID:25741868].

Quest Diagnostics Nichols Institute San Juan Capistrano
Classification: Uncertain significance. Last evaluated: 2019-01-25. Review status: criteria provided, single submitter. Criteria: Quest Diagnostics criteria. Collection method: clinical testing. Allele origin: germline.

Laboratory for Molecular Medicine, Mass General Brigham Personalized Medicine
Classification: Uncertain significance. Last evaluated: 2018-10-18. Review status: criteria provided, single submitter. Criteria: LMM Criteria. Collection method: clinical testing. Allele origin: germline. Observed: 1 variant allele.
Comment: The p.Arg1082His variant in POLE has not been previously reported in the literat ure in individuals with colorectal cancer but has been reported by other clinica l laboratories in ClinVar (Variation ID: 240461). This variant has also been ide ntified in 33/125928 of European chromosomes by gnomAD. Computational prediction tools do not provide support for or against an impact to the protein. In summary, the clinical significance of the p.Arg1082 His variant is uncertain. ACMG/AMP Criteria applied: None applicable.

Laboratory of Medical Genetics Unit, Bambino Gesù Children's Hospital
Classification: Uncertain significance for Neuroepithelial neoplasm. Review status: criteria provided, single submitter. Criteria: ACMG Guidelines, 2015. Collection method: research. Allele origin: germline. Affected: yes. Observed: 1 heterozygote.

True Health Diagnostics
Classification: Uncertain significance for Hereditary cancer-predisposing syndrome. Last evaluated: 2018-11-12. Review status: no assertion criteria provided. Collection method: clinical testing. Allele origin: germline. Not counted in ClinVar's aggregate classification.

Clinical Genetics DNA and cytogenetics Diagnostics Lab, Erasmus MC, Erasmus Medical Center
Classification: Likely benign. Review status: no assertion criteria provided. Collection method: clinical testing. Allele origin: germline. Affected: yes. Study: VKGL Data-share Consensus. Not counted in ClinVar's aggregate classification.

Clinical Genetics, Academic Medical Center
Classification: Likely benign. Review status: no assertion criteria provided. Collection method: clinical testing. Allele origin: germline. Affected: yes. Study: VKGL Data-share Consensus. Not counted in ClinVar's aggregate classification.

Diagnostic Laboratory, Department of Genetics, University Medical Center Groningen
Classification: Likely benign. Review status: no assertion criteria provided. Collection method: clinical testing. Allele origin: germline. Affected: yes. Study: VKGL Data-share Consensus. Not counted in ClinVar's aggregate classification.

Genome Diagnostics Laboratory, Amsterdam University Medical Center
Classification: Likely benign. Review status: no assertion criteria provided. Collection method: clinical testing. Allele origin: germline. Affected: yes. Study: VKGL Data-share Consensus. Not counted in ClinVar's aggregate classification.

Literature cited by the submitters: PubMed 29987844 (cited by 3 submitters); PubMed 37990341 (cited by Labcorp Genetics (formerly Invitae), Labcorp and Ambry Genetics); PubMed 28873162 (cited by Center for Genomic Medicine, Rigshospitalet, Copenhagen University Hospital); PubMed 33194656 (cited by Ambry Genetics).

NM_006231.4(POLE):c.3245G>A (p.Arg1082His)

Gene: POLE (DNA polymerase epsilon, catalytic subunit; minus strand). Cytogenetic location: 12q24.33.
Variant type: single nucleotide variant.
Coding change: c.3245G>A on transcript NM_006231.4 (MANE Select); coding-DNA position 3245, G replaced by A.
Protein change: p.Arg1082His; replaces arginine 1082 with histidine.
Molecular consequence: missense variant.
Genome position (GRCh38, 1-based): chr12:132,659,325, C>T on the plus strand (G>A on the coding strand, the complement: POLE is on the minus strand). VCF-style: chr12-132659325-C-T. GRCh37 (hg19) VCF-style: chr12-133235911-C-T.
Other names: short protein forms R1082H.
Identifiers: ClinVar variation 240461 (VCV000240461.41), dbSNP rs201744227, ClinGen allele CA6893328.